The following is an entry in ClinVar:

ClinVar aggregate classification (germline): Uncertain significance (1 of 4 stars; one submission).

Conditions:
Neuropathy, hereditary sensory and autonomic, type 2A (HSAN2A). Also called: ACROOSTEOLYSIS, GIACCAI TYPE; ACROOSTEOLYSIS, NEUROGENIC; MORVAN DISEASE; NEUROPATHY, CONGENITAL SENSORY; NEUROPATHY, HEREDITARY SENSORY RADICULAR, AUTOSOMAL RECESSIVE; NEUROPATHY, HEREDITARY SENSORY, TYPE IIA. Identifiers: Orphanet 970, MedGen C2752089, MONDO:0024309, OMIM 201300.
Pseudohypoaldosteronism type 2C (PHA2C). Also called: Pseudohypoaldosteronism Type IIC. Identifiers: Orphanet 757, Orphanet 88940, MedGen C1840391, MONDO:0013778, OMIM 614492.

Allele frequency attached by ClinVar (database versions not stated): gnomAD exomes below 0.00001.
gnomAD v4.1: 1 of 1,536,142 alleles (0.000065%); highest among the groups gnomAD compares: South Asian, 0.0012%; no homozygotes.

Submission:

Labcorp Genetics (formerly Invitae), Labcorp
Classification: Uncertain significance for Neuropathy, hereditary sensory and autonomic, type 2A; Pseudohypoaldosteronism type 2C. Last evaluated: 2023-08-23. Review status: criteria provided, single submitter. Criteria: Invitae Variant Classification Sherloc (09022015). Collection method: clinical testing. Allele origin: germline.
Comment: In summary, the available evidence is currently insufficient to determine the role of this variant in disease. Therefore, it has been classified as a Variant of Uncertain Significance. Advanced modeling of protein sequence and biophysical properties (such as structural, functional, and spatial information, amino acid conservation, physicochemical variation, residue mobility, and thermodynamic stability) performed at Invitae indicates that this missense variant is not expected to disrupt WNK1 protein function. This variant has not been reported in the literature in individuals affected with WNK1-related conditions. This variant is not present in population databases (gnomAD no frequency). This sequence change replaces histidine, which is basic and polar, with tyrosine, which is neutral and polar, at codon 779 of the WNK1 protein (p.His779Tyr).

NM_213655.5(WNK1):c.2335C>T (p.His779Tyr)

Gene: WNK1 (WNK lysine deficient protein kinase 1; plus strand). Cytogenetic location: 12p13.33.
Variant type: single nucleotide variant.
Coding change: c.2335C>T on transcript NM_213655.5 (MANE Plus Clinical); coding-DNA position 2335, C replaced by T.
Protein change: p.His779Tyr; replaces histidine 779 with tyrosine.
Molecular consequence: missense variant. On other transcripts: intron variant (3).
Genome position (GRCh38, 1-based): chr12:865,305, C>T. VCF-style: chr12-865305-C-T. GRCh37 (hg19) VCF-style: chr12-974471-C-T.
Other names: c.2140-2561C>T (NM_001184985.2); c.2139+3035C>T (NM_018979.4, NM_014823.3); short protein forms H779Y.
Identifiers: ClinVar variation 2936866 (VCV002936866.3), dbSNP rs1951571261, ClinGen allele CA383337828.
Genomic context (GRCh38, chr12:865,305, plus strand): 5'-TGCCCCGAGGAAACTTTTGCCGAAAAGCTTTCTAAAGCATTGGAGAGTGTCCTGCCTATG[C>T]ACTCTGCCTCTCAGCGCAAGCACCGACGCTCCAGCCTGCCTTCCCTCTTTGTCAGTACTG-3'
Protein context (NP_998820.3, residues 769-789): SKALESVLPM[His779Tyr]SASQRKHRRS